The following is an entry in ClinVar:

ClinVar aggregate classification (germline): Likely benign. Review status: criteria provided, multiple submitters, no conflicts (2 of 4 stars). 3 submissions from 3 submitters: Likely benign (3). Last evaluated 2026-07-23.

Conditions:
KMT2D-related disorder. Also called: KMT2D-Related Disorders.
Kabuki syndrome. Also called: NIIKAWA-KUROKI SYNDROME; Kabuki make-up syndrome. Identifiers: Orphanet 2322, MedGen C0796004, MONDO:0016512.

Allele frequency attached by ClinVar (database versions not stated): gnomAD exomes 0.00001; ExAC 0.00003.
gnomAD v4.1: 7 of 1,613,054 alleles (0.00043%); highest among the groups gnomAD compares: South Asian, 0.0011%; no homozygotes.

Submissions (3):

PreventionGenetics, part of Exact Sciences
Classification: Likely benign for KMT2D-related condition. Last evaluated: 2026-07-23. Review status: criteria provided, single submitter. Criteria: ACMG Guidelines, 2015. Collection method: clinical testing. Allele origin: germline.
Comment: This variant is classified as likely benign based on ACMG/AMP sequence variant interpretation guidelines (Richards et al. 2015 PMID: 25741868, with internal and published modifications).

Labcorp Genetics (formerly Invitae), Labcorp
Classification: Likely benign for Kabuki syndrome. Last evaluated: 2025-10-28. Review status: criteria provided, single submitter. Criteria: Invitae Variant Classification Sherloc (09022015). Collection method: clinical testing. Allele origin: germline.

Blueprint Genetics
Classification: Likely benign. Last evaluated: 2024-11-26. Review status: criteria provided, single submitter. Criteria: ACMG Guidelines, 2015. Collection method: clinical testing. Allele origin: germline.

NM_003482.4(KMT2D):c.5130G>A (p.Thr1710=)

Gene: KMT2D (lysine methyltransferase 2D; minus strand). Cytogenetic location: 12q13.12.
Variant type: single nucleotide variant.
Coding change: c.5130G>A on transcript NM_003482.4 (MANE Select); coding-DNA position 5130, G replaced by A.
Protein change: p.Thr1710=; no amino-acid change (threonine 1710 retained).
Molecular consequence: synonymous variant.
Genome position (GRCh38, 1-based): chr12:49,044,258, C>T on the plus strand (G>A on the coding strand, the complement: KMT2D is on the minus strand). VCF-style: chr12-49044258-C-T. GRCh37 (hg19) VCF-style: chr12-49438041-C-T.
Identifiers: ClinVar variation 2158684 (VCV002158684.6), dbSNP rs758585881, ClinGen allele CA6547623.
Genomic context (GRCh38, chr12:49,044,258, plus strand): 5'-ACCCTCGTCGGGCTGCCCATCCCCACTCAACACCTCCGCCTGTGCAGCAGGCCCCTTTTT[C>T]GTGCGTGTGTGGGATTTCCGCTGTCGCACCATGAAACCACCAATGCCTATGAGGAGGCAG-3'
Protein context (NP_003473.3, residues 1700-1720): MVRQRKSHTR[Thr1710=]KKGPAAQAEV